The following is an entry in ClinVar:

NM_012330.4(KAT6B):c.1495C>T (p.Pro499Ser)

Gene: KAT6B (lysine acetyltransferase 6B; plus strand). Cytogenetic location: 10q22.2.
Variant type: single nucleotide variant.
Coding change: c.1495C>T on transcript NM_012330.4 (MANE Select); coding-DNA position 1495, C replaced by T.
Protein change: p.Pro499Ser; replaces proline 499 with serine.
Molecular consequence: missense variant. On other transcripts: intron variant (13).
Genome position (GRCh38, 1-based): chr10:74,975,832, C>T. VCF-style: chr10-74975832-C-T. GRCh37 (hg19) VCF-style: chr10-76735590-C-T.
Other names: c.1495C>T, p.Pro499Ser (NM_001370136.1, NM_001370137.1); c.1117+378C>T (NM_001370139.1, NM_001370140.1, NM_001370141.1 and 3 more transcripts); c.1444+51C>T (NM_001370138.1, NM_001256468.2); c.846+6057C>T (NM_001370133.1); c.193-3392C>T (NM_001370134.1); c.929-1484C>T (NM_001370143.1, NM_001370144.1); c.193-13187C>T (NM_001370135.1); short protein forms P499S.
Identifiers: ClinVar variation 2731327 (VCV002731327.3), dbSNP rs924443279, ClinGen allele CA209703254.

ClinVar aggregate classification (germline): Uncertain significance (1 of 4 stars; one submission).

Conditions:
Genitopatellar syndrome (GTPTS). Also called: ABSENT PATELLAE, SCROTAL HYPOPLASIA, RENAL ANOMALIES, FACIAL DYSMORPHISM, AND MENTAL RETARDATION; Genitopatellar syndrome (GPS). Identifiers: Orphanet 85201, MedGen C1853566, MONDO:0011640, OMIM 606170.

Allele frequency attached by ClinVar (database versions not stated): gnomAD 0.00001.
gnomAD v4.1: 1 of 1,614,050 alleles (0.000062%); highest among the groups gnomAD compares: African/African-American, 0.0013%; no homozygotes.

Submission:

Labcorp Genetics (formerly Invitae), Labcorp
Classification: Uncertain significance for Genitopatellar syndrome. Last evaluated: 2024-06-03. Review status: criteria provided, single submitter. Criteria: Invitae Variant Classification Sherloc (09022015). Collection method: clinical testing. Allele origin: germline.
Comment: This sequence change replaces proline, which is neutral and non-polar, with serine, which is neutral and polar, at codon 499 of the KAT6B protein (p.Pro499Ser). This variant is not present in population databases (gnomAD no frequency). This variant has not been reported in the literature in individuals affected with KAT6B-related conditions. An algorithm developed to predict the effect of missense changes on protein structure and function (PolyPhen-2) suggests that this variant is likely to be disruptive. In summary, the available evidence is currently insufficient to determine the role of this variant in disease. Therefore, it has been classified as a Variant of Uncertain Significance.